The following is an entry in ClinVar:

NM_001386140.1(MTTP):c.124G>A (p.Val42Ile)

Gene: MTTP (microsomal triglyceride transfer protein; plus strand). Cytogenetic location: 4q23.
Variant type: single nucleotide variant.
Coding change: c.124G>A on transcript NM_001386140.1 (MANE Select); coding-DNA position 124, G replaced by A.
Protein change: p.Val42Ile; replaces valine 42 with isoleucine.
Molecular consequence: missense variant. On other transcripts: 5 prime UTR variant (1).
Genome position (GRCh38, 1-based): chr4:99,581,967, G>A. VCF-style: chr4-99581967-G-A. GRCh37 (hg19) VCF-style: chr4-100503124-G-A.
Other names: c.124G>A, p.Val42Ile (NM_000253.4); c.-126G>A (NM_001300785.2); short protein forms V42I.
Identifiers: ClinVar variation 716451 (VCV000716451.17), dbSNP rs756998920, ClinGen allele CA3021746.

ClinVar aggregate classification (germline): Conflicting classifications of pathogenicity. Review status: criteria provided, conflicting classifications (1 of 4 stars). 4 submissions from 4 submitters: Uncertain significance (1); Likely benign (2). 1 of the submissions does not count toward it. Last evaluated 2026-01-13.

Conditions:
Abetalipoproteinaemia (ABL). Also called: MTP DEFICIENCY; Abetalipoproteinemia; Abetalipoproteinemia neuropathy; Apolipoprotein B deficiency; Congenital betalipoprotein deficiency syndrome. Identifiers: Orphanet 14, MedGen C0000744, MONDO:0008692, OMIM 200100, HP:0008181.

Allele frequency attached by ClinVar (database versions not stated): gnomAD 0.00009; gnomAD exomes 0.00011 and 0.00034; TOPMed 0.00023; ExAC 0.00035.
gnomAD v4.1: 177 of 1,614,182 alleles (0.011%); highest among the groups gnomAD compares: East Asian, 0.34%; 1 homozygote.

Submissions (4):

Labcorp Genetics (formerly Invitae), Labcorp
Classification: Likely benign. Last evaluated: 2026-01-13. Review status: criteria provided, single submitter. Criteria: Invitae Variant Classification Sherloc (09022015). Collection method: clinical testing. Allele origin: germline.

Department of Pathology and Laboratory Medicine, Sinai Health System
Classification: Uncertain significance for Abetalipoproteinaemia. Last evaluated: 2023-11-10. Review status: criteria provided, single submitter. Criteria: ACMG Guidelines, 2015. Collection method: research. Allele origin: germline.

Illumina Laboratory Services, Illumina
Classification: Likely benign for Abetalipoproteinaemia. Last evaluated: 2018-01-13. Review status: criteria provided, single submitter. Criteria: ICSL Variant Classification Criteria 13 December 2019. Collection method: clinical testing. Allele origin: germline.
Comment: This variant was observed in the ICSL laboratory as part of a predisposition screen in an ostensibly healthy population. It had not been previously curated by ICSL or reported in the Human Gene Mutation Database (HGMD: prior to June 1st, 2018), and was therefore a candidate for classification through an automated scoring system. Utilizing variant allele frequency, disease prevalence and penetrance estimates, and inheritance mode, an automated score was calculated to assess if this variant is too frequent to cause the disease. Based on the score and internal cut-off values, a variant classified as likely benign is not then subjected to further curation. The score for this variant resulted in a classification of likely benign for this disease.

Natera, Inc.
Classification: Likely benign for Abetalipoproteinemia. Last evaluated: 2020-07-24. Review status: no assertion criteria provided. Collection method: clinical testing. Allele origin: germline. Not counted in ClinVar's aggregate classification.